The following is an entry in ClinVar:

NM_018076.5(ODAD2):c.2196_2199dup (p.Ala734fs)

Gene: ODAD2 (outer dynein arm docking complex subunit 2; minus strand). Cytogenetic location: 10p12.1.
Variant type: Duplication.
Coding change: c.2196_2199dup on transcript NM_018076.5 (MANE Select); coding-DNA positions 2196 to 2199, 4 bases duplicated (AGCT; older notation c.2196_2199dupAGCT).
Protein change: p.Ala734fs; shifts the reading frame from alanine 734.
Molecular consequence: frameshift variant.
Genome position (GRCh38, 1-based): chr10:27,936,779-27,936,782, AGCT duplicated on the plus strand (AGCT on the coding strand, the reverse complement: ODAD2 is on the minus strand); duplicating any 4 consecutive bases within chr10:27,936,779-27,936,783 gives the same sequence; the c. name uses the placement nearest the transcript's 3' end. VCF-style (leftmost placement, unchanged base first): chr10-27936778-C-CAGCT. GRCh37 (hg19) VCF-style: chr10-28225707-C-CAGCT.
Other names: c.2196_2199dup, p.Ala734fs (NM_001290020.2); c.771_774dup, p.Ala259fs (NM_001290021.2); c.1272_1275dup, p.Ala426fs (NM_001312689.2); short protein forms A734fs, A259fs, A426fs.
Identifiers: ClinVar variation 3726197 (VCV003726197.2).
Genomic context (GRCh38, chr10:27,936,778, plus strand): 5'-TCTCTTACTTGGTAACATTCTCTTTGCTGATGGAACATTTCCATATAGCCCCTGTGACAG[C>CAGCT]AGCTAACCGCTCTTTATTGTCAGTGTTATTGAGTAGACTGGCCAAGGGCTTAAGTCCTCC-3'

ClinVar aggregate classification (germline): Pathogenic (1 of 4 stars; one submission).

Conditions:
Primary ciliary dyskinesia 23 (CILD23). Also called: CILIARY DYSKINESIA, PRIMARY, 23, WITH OR WITHOUT SITUS INVERSUS. Identifiers: Orphanet 244, MedGen C3809548, MONDO:0014193, OMIM 615451.

Submission:

Labcorp Genetics (formerly Invitae), Labcorp
Classification: Pathogenic for Primary ciliary dyskinesia 23. Last evaluated: 2024-11-27. Review status: criteria provided, single submitter. Criteria: Invitae Variant Classification Sherloc (09022015). Collection method: clinical testing. Allele origin: germline.
Comment: This sequence change creates a premature translational stop signal (p.Ala734Serfs*27) in the ARMC4 gene. It is expected to result in an absent or disrupted protein product. Loss-of-function variants in ARMC4 are known to be pathogenic (PMID: 23849778). This variant is not present in population databases (gnomAD no frequency). This variant has not been reported in the literature in individuals affected with ARMC4-related conditions. For these reasons, this variant has been classified as Pathogenic.

Literature cited by the submitters: PubMed 23849778.